The following is an entry in ClinVar:

ClinVar aggregate classification (germline): Uncertain significance (1 of 4 stars; one submission).

gnomAD v4.1: 2 of 1,608,582 alleles (0.00012%); highest among the groups gnomAD compares: Non-Finnish European, 0.00017%; no homozygotes.

Submission:

Labcorp Genetics (formerly Invitae), Labcorp
Classification: Uncertain significance. Last evaluated: 2025-06-11. Review status: criteria provided, single submitter. Criteria: Invitae Variant Classification Sherloc (09022015). Collection method: clinical testing. Allele origin: germline.
Comment: This sequence change replaces glutamic acid, which is acidic and polar, with lysine, which is basic and polar, at codon 367 of the ZBTB20 protein (p.Glu367Lys). This variant is not present in population databases (gnomAD no frequency). This variant has not been reported in the literature in individuals affected with ZBTB20-related conditions. Invitae Evidence Modeling of protein sequence and biophysical properties (such as structural, functional, and spatial information, amino acid conservation, physicochemical variation, residue mobility, and thermodynamic stability) has been performed for this missense variant. However, the output from this modeling did not meet the statistical confidence thresholds required to predict the impact of this variant on ZBTB20 protein function. In summary, the available evidence is currently insufficient to determine the role of this variant in disease. Therefore, it has been classified as a Variant of Uncertain Significance.

NM_001348800.3(ZBTB20):c.1099G>A (p.Glu367Lys)

Gene: ZBTB20 (zinc finger and BTB domain containing 20; minus strand). Cytogenetic location: 3q13.31.
Variant type: single nucleotide variant.
Coding change: c.1099G>A on transcript NM_001348800.3 (MANE Select); coding-DNA position 1099, G replaced by A.
Protein change: p.Glu367Lys; replaces glutamic acid 367 with lysine.
Molecular consequence: missense variant.
Genome position (GRCh38, 1-based): chr3:114,350,979, C>T on the plus strand (G>A on the coding strand, the complement: ZBTB20 is on the minus strand). VCF-style: chr3-114350979-C-T. GRCh37 (hg19) VCF-style: chr3-114069826-C-T.
Other names: c.1099G>A, p.Glu367Lys (NM_001393393.1, NM_001393394.1, NM_001164342.2 and 1 more transcripts); c.880G>A, p.Glu294Lys (NM_001393395.1, NM_001393396.1, NM_015642.7 and 9 more transcripts); short protein forms E294K, E367K.
Identifiers: ClinVar variation 4799736 (VCV004799736.1).
Genomic context (GRCh38, chr3:114,350,979, plus strand): 5'-GCTCGGTGCCTATGGAGGAGCTGACGCCCGAGTCGAAGCTTTCACCTTTGGGCTCACTCT[C>T]GGTGCCCTCGGCCTGGTCTGTGTCTTCCGTGCACTCCTCGGATTCGTTGCGTTCCAGGAT-3'
Protein context (NP_001335729.1, residues 357-377): TEDTDQAEGT[Glu367Lys]SEPKGESFDS